The following is an entry in ClinVar:

NM_001614.5(ACTG1):c.269T>C (p.Phe90Ser)

Gene: ACTG1 (actin gamma 1; minus strand). Cytogenetic location: 17q25.3.
Variant type: single nucleotide variant.
Coding change: c.269T>C on transcript NM_001614.5 (MANE Select); coding-DNA position 269, T replaced by C.
Protein change: p.Phe90Ser; replaces phenylalanine 90 with serine.
Molecular consequence: missense variant. On other transcripts: non-coding transcript variant (1).
Genome position (GRCh38, 1-based): chr17:81,511,997, A>G on the plus strand (T>C on the coding strand, the complement: ACTG1 is on the minus strand). VCF-style: chr17-81511997-A-G. GRCh37 (hg19) VCF-style: chr17-79479023-A-G.
Other names: c.269T>C, p.Phe90Ser (NM_001199954.3); short protein forms F90S.
Identifiers: ClinVar variation 2947949 (VCV002947949.3), dbSNP rs2544391851, ClinGen allele CA401463028.

ClinVar aggregate classification (germline): Uncertain significance (1 of 4 stars; one submission).

Conditions:
Autosomal dominant nonsyndromic hearing loss 20. Identifiers: Orphanet 90635, MedGen C1858172, MONDO:0011480, OMIM 604717.
Baraitser-winter syndrome 2. Identifiers: Orphanet 2995, MedGen C3281235, MONDO:0013812, OMIM 614583.

Submission:

Labcorp Genetics (formerly Invitae), Labcorp
Classification: Uncertain significance for Baraitser-winter syndrome 2; Autosomal dominant nonsyndromic hearing loss 20. Last evaluated: 2023-06-24. Review status: criteria provided, single submitter. Criteria: Invitae Variant Classification Sherloc (09022015). Collection method: clinical testing. Allele origin: germline.
Comment: This sequence change replaces phenylalanine, which is neutral and non-polar, with serine, which is neutral and polar, at codon 90 of the ACTG1 protein (p.Phe90Ser). This variant is not present in population databases (gnomAD no frequency). This variant has not been reported in the literature in individuals affected with ACTG1-related conditions. Advanced modeling of protein sequence and biophysical properties (such as structural, functional, and spatial information, amino acid conservation, physicochemical variation, residue mobility, and thermodynamic stability) performed at Invitae indicates that this missense variant is expected to disrupt ACTG1 protein function. In summary, the available evidence is currently insufficient to determine the role of this variant in disease. Therefore, it has been classified as a Variant of Uncertain Significance.